The following is an entry in ClinVar:

NM_005330.4(HBE1):c.177C>T (p.Pro59=)

Gene: HBE1 (hemoglobin subunit epsilon 1; minus strand). Cytogenetic location: 11p15.4.
Variant type: single nucleotide variant.
Coding change: c.177C>T on transcript NM_005330.4 (MANE Select); coding-DNA position 177, C replaced by T.
Protein change: p.Pro59=; no amino-acid change (proline 59 retained).
Molecular consequence: synonymous variant.
Genome position (GRCh38, 1-based): chr11:5,269,592, G>A on the plus strand (C>T on the coding strand, the complement: HBE1 is on the minus strand). VCF-style: chr11-5269592-G-A. GRCh37 (hg19) VCF-style: chr11-5290822-G-A.
Identifiers: ClinVar variation 3037396 (VCV003037396.2), dbSNP rs139834545, ClinGen allele CA5840386.

ClinVar aggregate classification (germline): Likely benign (0 of 4 stars; one submission).

Conditions:
HBE1-related disorder. Also called: HBE1-related condition.

Allele frequency attached by ClinVar (database versions not stated): 1000 Genomes Project 30x 0.00078; 1000 Genomes Project 0.00080; gnomAD 0.00139; ExAC 0.00149; TOPMed 0.00153; ESP Exome Variant Server 0.00192; gnomAD exomes 0.00245.
gnomAD v4.1: 3,733 of 1,613,902 alleles (0.23%); highest among the groups gnomAD compares: Non-Finnish European, 0.3%; 11 homozygotes.

Submission:

PreventionGenetics, part of Exact Sciences
Classification: Likely benign for HBE1-related condition. Last evaluated: 2019-05-02. Review status: no assertion criteria provided. Collection method: clinical testing. Allele origin: germline.
Comment: This variant is classified as likely benign based on ACMG/AMP sequence variant interpretation guidelines (Richards et al. 2015 PMID: 25741868, with internal and published modifications).